The following is an entry in ClinVar:

ClinVar aggregate classification (germline): Pathogenic (1 of 4 stars; one submission).

Conditions:
Neurofibromatosis, type 1 (NF1). Also called: NEUROFIBROMATOSIS, TYPE I, SOMATIC; Peripheral type neurofibromatosis; Neurofibromatosis, type I; VON RECKLINGHAUSEN DISEASE. Identifiers: Orphanet 636, MedGen C0027831, MONDO:0018975, OMIM 162200. Disease mechanism: loss of function.

Submission:

Labcorp Genetics (formerly Invitae), Labcorp
Classification: Pathogenic for Neurofibromatosis, type 1. Last evaluated: 2023-11-08. Review status: criteria provided, single submitter. Criteria: Invitae Variant Classification Sherloc (09022015). Collection method: clinical testing. Allele origin: germline.
Comment: This sequence change creates a premature translational stop signal (p.Glu2190*) in the NF1 gene. It is expected to result in an absent or disrupted protein product. Loss-of-function variants in NF1 are known to be pathogenic (PMID: 10712197, 23913538). This variant is not present in population databases (gnomAD no frequency). This premature translational stop signal has been observed in individual(s) with clinical features consistent with neurofibromatosis type 1 (Invitae). Algorithms developed to predict the effect of sequence changes on RNA splicing suggest that this variant may disrupt the consensus splice site. For these reasons, this variant has been classified as Pathogenic.

Literature cited by the submitters: PubMed 10712197; PubMed 23913538.

NM_001042492.3(NF1):c.6631G>T (p.Glu2211Ter)

Gene: NF1 (neurofibromin 1; plus strand). Cytogenetic location: 17q11.2.
Variant type: single nucleotide variant.
Coding change: c.6631G>T on transcript NM_001042492.3 (MANE Select); coding-DNA position 6631, G replaced by T.
Protein change: p.Glu2211Ter; replaces glutamic acid 2211 with a stop codon.
Molecular consequence: nonsense.
Genome position (GRCh38, 1-based): chr17:31,337,571, G>T. VCF-style: chr17-31337571-G-T. GRCh37 (hg19) VCF-style: chr17-29664589-G-T.
Other names: c.6568G>T, p.Glu2190Ter (NM_000267.4); short protein forms E2190*, E2211*.
Identifiers: ClinVar variation 2962991 (VCV002962991.3), dbSNP rs2151556621, ClinGen allele CA399013520.
Genomic context (GRCh38, chr17:31,337,571, plus strand): 5'-TCCTATGAGAGAGAGACTTTTGCTTTGACATCCTTGGAAACAGTCACAGAAGCTTTGTTG[G>T]AGATCATGGAGGTATAGAAGCCAAAATGATAAGAAACTAAGTTAAAATCTTTTTTTAAAA-3'